The following is an entry in ClinVar:

ClinVar aggregate classification (germline): Benign. Review status: criteria provided, single submitter (1 of 4 stars). 2 submissions from 2 submitters: Benign (1). 1 of the submissions does not count toward it. Last evaluated 2024-08-01.

Conditions:
STS-related disorder. Also called: STS-related condition.

Allele frequency attached by ClinVar (database versions not stated): 1000 Genomes Project 0.00053; TOPMed 0.00077; ExAC 0.00078; 1000 Genomes Project 30x 0.00083; gnomAD 0.00088 and 0.00091; gnomAD exomes 0.00094 and 0.00126; ESP Exome Variant Server 0.00104.
gnomAD v4.1: 1,450 of 1,209,016 alleles (0.12%); highest among the groups gnomAD compares: Non-Finnish European, 0.15%; 2 homozygotes.

Submissions (2):

Labcorp Genetics (formerly Invitae), Labcorp
Classification: Benign. Last evaluated: 2024-08-01. Review status: criteria provided, single submitter. Criteria: Invitae Variant Classification Sherloc (09022015). Collection method: clinical testing. Allele origin: germline.

PreventionGenetics, part of Exact Sciences
Classification: Likely benign for STS-related condition. Last evaluated: 2023-03-02. Review status: no assertion criteria provided. Collection method: clinical testing. Allele origin: germline. Not counted in ClinVar's aggregate classification.
Comment: This variant is classified as likely benign based on ACMG/AMP sequence variant interpretation guidelines (Richards et al. 2015 PMID: 25741868, with internal and published modifications).

NM_001320752.2(STS):c.1238A>G (p.Asp413Gly)

Gene: STS (steroid sulfatase; plus strand). Cytogenetic location: Xp22.31.
Variant type: single nucleotide variant.
Coding change: c.1238A>G on transcript NM_001320752.2 (MANE Select); coding-DNA position 1238, A replaced by G.
Protein change: p.Asp413Gly; replaces aspartic acid 413 with glycine.
Molecular consequence: missense variant.
Genome position (GRCh38, 1-based): chrX:7,325,495, A>G. VCF-style: chrX-7325495-A-G. GRCh37 (hg19) VCF-style: chrX-7243536-A-G.
Other names: c.1253A>G (NM_000351.5); c.1238A>G, p.Asp413Gly (NM_000351.7, NM_001320753.2, NM_001320754.2); c.1274A>G, p.Asp425Gly (NM_001320750.3, NM_001320751.2); short protein forms D413G, D425G.
Identifiers: ClinVar variation 707559 (VCV000707559.10), dbSNP rs141215364, ClinGen allele CA10342137.